The following is an entry in ClinVar:

ClinVar aggregate classification (germline): Uncertain significance (1 of 4 stars; one submission).

Conditions:
POLD1-related polyposis and colorectal cancer syndrome (CRCS10). Also called: Colorectal cancer 10; COLORECTAL CANCER, SUSCEPTIBILITY TO, ON CHROMOSOME 19q; Colorectal cancer, susceptibility to, 10. Identifiers: Orphanet 220460, MedGen C2675481, MONDO:0012953, OMIM 612591.

Submission:

Labcorp Genetics (formerly Invitae), Labcorp
Classification: Uncertain significance for POLD1-related polyposis and colorectal cancer syndrome. Last evaluated: 2019-09-10. Review status: criteria provided, single submitter. Criteria: Invitae Variant Classification Sherloc (09022015). Collection method: clinical testing. Allele origin: germline.
Comment: Missense variants that disrupt the 3'-5' exonuclease (proof-reading) activity of the POLD1 protein, while not abolishing its polymerase enzyme activity, are associated with an increased risk for colonic adenomatous polyps and colon cancer (PMID: 23263490, 23447401). Loss-of-function truncating variants, which result in an absent or severely disrupted POLD1 protein, are therefore unlikely to be associated with disease. Without further clinical and genetic evidence, however, this variant has been classified as a Variant of Uncertain Significance. Algorithms developed to predict the effect of sequence changes on RNA splicing suggest that this variant may disrupt the consensus splice site, but this prediction has not been confirmed by published transcriptional studies. This variant has not been reported in the literature in individuals with POLD1-related conditions. This variant is not present in population databases (ExAC no frequency). This sequence change affects a donor splice site in intron 23 of the POLD1 gene. It is expected to disrupt RNA splicing and likely results in an absent or disrupted protein product.

Literature cited by the submitters: PubMed 23263490; PubMed 23447401.

NM_002691.4(POLD1):c.2953+1G>C

Gene: POLD1 (DNA polymerase delta 1, catalytic subunit; plus strand). Cytogenetic location: 19q13.33.
Variant type: single nucleotide variant.
Coding change: c.2953+1G>C on transcript NM_002691.4 (MANE Select); the canonical splice donor site of the intron after coding-DNA position 2953, G replaced by C.
Molecular consequence: splice donor variant.
Genome position (GRCh38, 1-based): chr19:50,416,529, G>C. VCF-style: chr19-50416529-G-C. GRCh37 (hg19) VCF-style: chr19-50919786-G-C.
Other names: c.2953+1G>C (NM_001256849.1); c.3031+1G>C (NM_001308632.1).
Identifiers: ClinVar variation 942340 (VCV000942340.10), dbSNP rs1555793361, ClinGen allele CA406986716.